The following is an entry in ClinVar:

NM_002691.4(POLD1):c.217T>C (p.Ser73Pro)

Gene: POLD1 (DNA polymerase delta 1, catalytic subunit; plus strand). Cytogenetic location: 19q13.33.
Variant type: single nucleotide variant.
Coding change: c.217T>C on transcript NM_002691.4 (MANE Select); coding-DNA position 217, T replaced by C.
Protein change: p.Ser73Pro; replaces serine 73 with proline.
Molecular consequence: missense variant. On other transcripts: non-coding transcript variant (1).
Genome position (GRCh38, 1-based): chr19:50,399,385, T>C. VCF-style: chr19-50399385-T-C. GRCh37 (hg19) VCF-style: chr19-50902642-T-C.
Other names: c.217T>C, p.Ser73Pro (NM_001256849.1, NM_001308632.1); short protein forms S73P.
Identifiers: ClinVar variation 1487754 (VCV001487754.8), dbSNP rs775119313, ClinGen allele CA406970404.

ClinVar aggregate classification (germline): Uncertain significance (1 of 4 stars; one submission).

Conditions:
POLD1-related polyposis and colorectal cancer syndrome (CRCS10). Also called: Colorectal cancer 10; COLORECTAL CANCER, SUSCEPTIBILITY TO, ON CHROMOSOME 19q; Colorectal cancer, susceptibility to, 10. Identifiers: Orphanet 220460, MedGen C2675481, MONDO:0012953, OMIM 612591.

gnomAD v4.1: 2 of 1,613,658 alleles (0.00012%); highest among the groups gnomAD compares: Non-Finnish European, 0.00017%; no homozygotes.

Submission:

Labcorp Genetics (formerly Invitae), Labcorp
Classification: Uncertain significance for POLD1-related polyposis and colorectal cancer syndrome. Last evaluated: 2020-11-23. Review status: criteria provided, single submitter. Criteria: Invitae Variant Classification Sherloc (09022015). Collection method: clinical testing. Allele origin: germline.
Comment: This sequence change replaces serine with proline at codon 73 of the POLD1 protein (p.Ser73Pro). The serine residue is weakly conserved and there is a moderate physicochemical difference between serine and proline. This variant is not present in population databases (ExAC no frequency). This variant has not been reported in the literature in individuals with POLD1-related conditions. Algorithms developed to predict the effect of missense changes on protein structure and function (SIFT, PolyPhen-2, Align-GVGD) all suggest that this variant is likely to be tolerated, but these predictions have not been confirmed by published functional studies and their clinical significance is uncertain. In summary, the available evidence is currently insufficient to determine the role of this variant in disease. Therefore, it has been classified as a Variant of Uncertain Significance.